The following is an entry in ClinVar:

ClinVar aggregate classification (germline): Uncertain significance (1 of 4 stars; one submission).

Submission:

Labcorp Genetics (formerly Invitae), Labcorp
Classification: Uncertain significance. Last evaluated: 2023-08-30. Review status: criteria provided, single submitter. Criteria: Invitae Variant Classification Sherloc (09022015). Collection method: clinical testing. Allele origin: germline.
Comment: In summary, the available evidence is currently insufficient to determine the role of this variant in disease. Therefore, it has been classified as a Variant of Uncertain Significance. An algorithm developed to predict the effect of missense changes on protein structure and function (PolyPhen-2) suggests that this variant is likely to be disruptive. This variant has not been reported in the literature in individuals affected with MYLK3-related conditions. This variant is not present in population databases (gnomAD no frequency). This sequence change replaces serine, which is neutral and polar, with arginine, which is basic and polar, at codon 756 of the MYLK3 protein (p.Ser756Arg).

NM_182493.3(MYLK3):c.2268C>G (p.Ser756Arg)

Gene: MYLK3 (myosin light chain kinase 3; minus strand). Cytogenetic location: 16q11.2.
Variant type: single nucleotide variant.
Coding change: c.2268C>G on transcript NM_182493.3 (MANE Select); coding-DNA position 2268, C replaced by G.
Protein change: p.Ser756Arg; replaces serine 756 with arginine.
Molecular consequence: missense variant.
Genome position (GRCh38, 1-based): chr16:46,709,671, G>C on the plus strand (C>G on the coding strand, the complement: MYLK3 is on the minus strand). VCF-style: chr16-46709671-G-C. GRCh37 (hg19) VCF-style: chr16-46743583-G-C.
Other names: c.1245C>G, p.Ser415Arg (NM_001308301.1); short protein forms S415R, S756R.
Identifiers: ClinVar variation 2756843 (VCV002756843.3), dbSNP rs1356768072, ClinGen allele CA395786272.